The following is an entry in ClinVar:

ClinVar aggregate classification (germline): Uncertain significance. Review status: criteria provided, multiple submitters, no conflicts (2 of 4 stars). 3 submissions from 3 submitters: Uncertain significance (3). Last evaluated 2023-12-10.

Conditions:
Hereditary spastic paraplegia. Also called: Familial spastic paraparesis. Identifiers: Orphanet 685, MedGen C0037773, MONDO:0019064. Disease mechanism: loss of function.
Hereditary spastic paraplegia 49 (HSAN9). Also called: Spastic paraplegia 49, autosomal recessive; TECPR2-Related Hereditary Sensory and Autonomic Neuropathy with Intellectual Disability; NEUROPATHY, HEREDITARY SENSORY AND AUTONOMIC, TYPE IX, WITH DEVELOPMENTAL DELAY. Identifiers: Orphanet 320385, MedGen C5190860, MONDO:0014016, OMIM 615031.

Allele frequency attached by ClinVar (database versions not stated): gnomAD 0.00001.
gnomAD v4.1: 35 of 1,596,770 alleles (0.0022%); highest among the groups gnomAD compares: Non-Finnish European, 0.0027%; no homozygotes.

Submissions (3):

GeneDx
Classification: Uncertain significance. Last evaluated: 2023-12-10. Review status: criteria provided, single submitter. Criteria: GeneDx Variant Classification Process June 2021. Collection method: clinical testing. Allele origin: germline. Affected: yes.
Comment: Not observed at significant frequency in large population cohorts (gnomAD); In silico analysis supports that this missense variant does not alter protein structure/function; Has not been previously published as pathogenic or benign to our knowledge

Labcorp Genetics (formerly Invitae), Labcorp
Classification: Uncertain significance for Hereditary spastic paraplegia 49. Last evaluated: 2022-08-09. Review status: criteria provided, single submitter. Criteria: Invitae Variant Classification Sherloc (09022015). Collection method: clinical testing. Allele origin: germline.
Comment: This sequence change replaces valine, which is neutral and non-polar, with methionine, which is neutral and non-polar, at codon 377 of the TECPR2 protein (p.Val377Met). This variant is present in population databases (rs527904656, gnomAD 0.006%). This variant has not been reported in the literature in individuals affected with TECPR2-related conditions. ClinVar contains an entry for this variant (Variation ID: 1344144). Algorithms developed to predict the effect of missense changes on protein structure and function output the following: SIFT: "Tolerated"; PolyPhen-2: "Benign"; Align-GVGD: "Class C0". The methionine amino acid residue is found in multiple mammalian species, which suggests that this missense change does not adversely affect protein function. In summary, the available evidence is currently insufficient to determine the role of this variant in disease. Therefore, it has been classified as a Variant of Uncertain Significance.

Genome Diagnostics Laboratory, The Hospital for Sick Children
Classification: Uncertain significance for Hereditary spastic paraplegia. Last evaluated: 2021-07-09. Review status: criteria provided, single submitter. Criteria: ACMG Guidelines, 2015. Collection method: clinical testing. Allele origin: germline. Affected: yes.

NM_014844.5(TECPR2):c.1129G>A (p.Val377Met)

Gene: TECPR2 (tectonin beta-propeller repeat containing 2; plus strand). Cytogenetic location: 14q32.31.
Variant type: single nucleotide variant.
Coding change: c.1129G>A on transcript NM_014844.5 (MANE Select); coding-DNA position 1129, G replaced by A.
Protein change: p.Val377Met; replaces valine 377 with methionine.
Molecular consequence: missense variant.
Genome position (GRCh38, 1-based): chr14:102,431,840, G>A. VCF-style: chr14-102431840-G-A. GRCh37 (hg19) VCF-style: chr14-102898177-G-A.
Other names: c.1129G>A (NM_014844.3); c.1129G>A, p.Val377Met (NM_001172631.3); short protein forms V377M.
Identifiers: ClinVar variation 1344144 (VCV001344144.6), dbSNP rs527904656, ClinGen allele CA7357649.